The following is an entry in ClinVar:

ClinVar aggregate classification (germline): Uncertain significance (1 of 4 stars; one submission).

Conditions:
Ehlers-Danlos syndrome, kyphoscoliotic type, 2. Also called: Ehlers-Danlos syndrome, kyphoscoliotic and deafness type; FKBP14-Kyphoscoliotic Ehlers-Danlos Syndrome; Ehlers-Danlos syndrome with progressive kyphoscoliosis, myopathy, and hearing loss. Identifiers: Orphanet 300179, MedGen C3281160, MONDO:0013800, OMIM 614557.

Submission:

Labcorp Genetics (formerly Invitae), Labcorp
Classification: Uncertain significance for Ehlers-Danlos syndrome, kyphoscoliotic type, 2. Last evaluated: 2023-03-27. Review status: criteria provided, single submitter. Criteria: Invitae Variant Classification Sherloc (09022015). Collection method: clinical testing. Allele origin: germline.
Comment: This sequence change replaces isoleucine, which is neutral and non-polar, with methionine, which is neutral and non-polar, at codon 29 of the FKBP14 protein (p.Ile29Met). This variant is not present in population databases (gnomAD no frequency). This variant has not been reported in the literature in individuals affected with FKBP14-related conditions. An algorithm developed to predict the effect of missense changes on protein structure and function (PolyPhen-2) suggests that this variant is likely to be tolerated. In summary, the available evidence is currently insufficient to determine the role of this variant in disease. Therefore, it has been classified as a Variant of Uncertain Significance.

NM_017946.4(FKBP14):c.87T>G (p.Ile29Met)

Genes: FKBP14-AS1 (FKBP14 antisense RNA 1; plus strand), FKBP14 (FKBP prolyl isomerase 14; minus strand). Cytogenetic location: 7p14.3.
Variant type: single nucleotide variant.
Coding change: c.87T>G on transcript NM_017946.4 (MANE Select); coding-DNA position 87, T replaced by G.
Protein change: p.Ile29Met; replaces isoleucine 29 with methionine.
Molecular consequence: missense variant. On other transcripts: non-coding transcript variant (3).
Genome position (GRCh38, 1-based): chr7:30,026,422, A>C on the plus strand (T>G on the coding strand, the complement: FKBP14 is on the minus strand). VCF-style: chr7-30026422-A-C. GRCh37 (hg19) VCF-style: chr7-30066038-A-C.
Other names: short protein forms I29M.
Identifiers: ClinVar variation 2850334 (VCV002850334.3), dbSNP rs2483531002, ClinGen allele CA367117931.
Genomic context (GRCh38, chr7:30,026,422, plus strand): 5'-CAACATCAAATCCCCTCCTTTGGTCTTGCGATGGCAGATGAATGGCTTCTGGAGAACTTC[A>C]ATTTTCACTTCTGGTTCAGGGATCAAAGCCCCAATCAAAGAAGTGACGAACAGAGTCAAG-3'
Protein context (NP_060416.1, residues 19-39): GALIPEPEVK[Ile29Met]EVLQKPFICH